The following is an entry in ClinVar:

ClinVar aggregate classification (germline): Pathogenic (1 of 4 stars; one submission).

Conditions:
Cerebellar atrophy with seizures and variable developmental delay. Identifiers: MedGen C5193132, MONDO:0032788, OMIM 618501.

Submission:

Victorian Clinical Genetics Services, Murdoch Childrens Research Institute
Classification: Pathogenic for Cerebellar atrophy with seizures and variable developmental delay. Last evaluated: 2022-02-02. Review status: criteria provided, single submitter. Criteria: ACMG Guidelines, 2015. Collection method: clinical testing. Allele origin: germline. Inheritance: Autosomal recessive inheritance. Affected: yes.
Comment: Based on the classification scheme VCGS_Germline_v1.3.4, this variant is classified as Pathogenic. Following criteria are met: 0102 - Loss of function is a known mechanism of disease in this gene and is associated with cerebellar atrophy with seizures and variable developmental delay (MIM#618501). (I) 0106 - This gene is associated with autosomal recessive disease. (I) 0201 - Variant is predicted to cause nonsense-mediated decay (NMD) and loss of protein (premature termination codon is located at least 54 nucleotides upstream of the final exon-exon junction). (SP) 0251 - This variant is heterozygous. (I) 0301 - Variant is absent from gnomAD (both v2 and v3). (SP) 0702 - Other NMD-predicted variants comparable to the one identified in this case have strong previous evidence for pathogenicity. These variants have been reported multiple times as pathogenic and observed in individuals with early onset epileptic encephalopathy and cerebellar atrophy (DECIPHER, ClinVar, PMID: 31402629). (SP) 0807 - This variant has no previous evidence of pathogenicity. (I) 0905 - No published segregation evidence has been identified for this variant. (I) 1007 - No published functional evidence has been identified for this variant. (I) 1208 - Inheritance information for this variant is not currently available in this individual. (I) Legend: (SP) - Supporting pathogenic, (I) - Information, (SB) - Supporting benign

Literature cited by the submitters: PubMed 31402629.

NM_006030.4(CACNA2D2):c.1126G>T (p.Glu376Ter)

Gene: CACNA2D2 (calcium voltage-gated channel auxiliary subunit alpha2delta 2; minus strand). Cytogenetic location: 3p21.31.
Variant type: single nucleotide variant.
Coding change: c.1126G>T on transcript NM_006030.4 (MANE Select); coding-DNA position 1126, G replaced by T.
Protein change: p.Glu376Ter; replaces glutamic acid 376 with a stop codon.
Molecular consequence: nonsense.
Genome position (GRCh38, 1-based): chr3:50,379,458, C>A on the plus strand (G>T on the coding strand, the complement: CACNA2D2 is on the minus strand). VCF-style: chr3-50379458-C-A. GRCh37 (hg19) VCF-style: chr3-50416889-C-A.
Other names: c.1126G>T, p.Glu376Ter (NM_001005505.3, NM_001174051.3, NM_001410768.1); c.919G>T, p.Glu307Ter (NM_001291101.1); short protein forms E307*, E376*.
Identifiers: ClinVar variation 1805265 (VCV001805265.1), dbSNP rs2471029525, ClinGen allele CA352935431.